The following is an entry in ClinVar:

NM_001165963.4(SCN1A):c.4600G>A (p.Val1534Ile)

Genes: SCN1A (sodium voltage-gated channel alpha subunit 1; minus strand), LOC102724058 (uncharacterized LOC102724058; plus strand). Cytogenetic location: 2q24.3.
Variant type: single nucleotide variant.
Coding change: c.4600G>A on transcript NM_001165963.4 (MANE Select); coding-DNA position 4600, G replaced by A.
Protein change: p.Val1534Ile; replaces valine 1534 with isoleucine.
Molecular consequence: missense variant. On other transcripts: non-coding transcript variant (1).
Genome position (GRCh38, 1-based): chr2:165,994,398, C>T on the plus strand (G>A on the coding strand, the complement: SCN1A is on the minus strand). VCF-style: chr2-165994398-C-T. GRCh37 (hg19) VCF-style: chr2-166850908-C-T.
Other names: c.4564G>A, p.Val1522Ile (NM_001353954.2, NM_001353955.2); c.4516G>A, p.Val1506Ile (NM_001353957.2, NM_001165964.3, NM_001353958.2); c.4600G>A, p.Val1534Ile (NM_001202435.3, NM_001353948.2); c.4567G>A, p.Val1523Ile (NM_001353949.2, NM_001353950.2, NM_001353951.2 and 2 more transcripts); c.4513G>A, p.Val1505Ile (NM_001353960.2); c.2158G>A, p.Val720Ile (NM_001353961.2); short protein forms V1505I, V1506I, V1522I, V1523I, V1534I, V720I.
Identifiers: ClinVar variation 4881862 (VCV004881862.2).

ClinVar aggregate classification (germline): Uncertain significance (1 of 4 stars; one submission).

Submission:

Dasa
Classification: Uncertain significance. Last evaluated: 2025-08-13. Review status: criteria provided, single submitter. Criteria: DASA Assertion Criteria. Collection method: clinical testing. Allele origin: germline.
Comment: NM_001165963.4(SCN1A):c.4600G>A (p.Val1534Ile) is a missense variant that results in the substitution of valine with isoleucine. The affected residue or protein region has prior evidence supporting clinical relevance. Published studies describe this variant in association with related phenotype (PMID: 34015165). Also, this variant is absent from population databases. Computational prediction algorithms are consistent with a benign effect. The currently available literature and clinical evidence are not sufficient to establish a definitive association between this variant and the reported condition. Therefore, this variant is classified as a variant of uncertain significance.

Literature cited by the submitters: PubMed 34015165.